The following is an entry in ClinVar:

NM_018089.3(ANKZF1):c.736C>T (p.Gln246Ter)

Gene: ANKZF1 (ankyrin repeat and zinc finger peptidyl tRNA hydrolase 1; plus strand). Cytogenetic location: 2q35.
Variant type: single nucleotide variant.
Coding change: c.736C>T on transcript NM_018089.3 (MANE Select); coding-DNA position 736, C replaced by T.
Protein change: p.Gln246Ter; replaces glutamine 246 with a stop codon.
Molecular consequence: nonsense.
Genome position (GRCh38, 1-based): chr2:219,233,350, C>T. VCF-style: chr2-219233350-C-T. GRCh37 (hg19) VCF-style: chr2-220098072-C-T.
Other names: c.736C>T, p.Gln246Ter (NM_001042410.2); c.106C>T, p.Gln36Ter (NM_001282792.2); short protein forms Q246*, Q36*.
Identifiers: ClinVar variation 2807652 (VCV002807652.3), dbSNP rs1000301786, ClinGen allele CA65970759.

ClinVar aggregate classification (germline): Uncertain significance (1 of 4 stars; one submission).

Allele frequency attached by ClinVar (database versions not stated): gnomAD 0.00001; TOPMed 0.00002.
gnomAD v4.1: 2 of 1,614,134 alleles (0.00012%); highest among the groups gnomAD compares: African/African-American, 0.0013%; no homozygotes.

Submission:

Labcorp Genetics (formerly Invitae), Labcorp
Classification: Uncertain significance. Last evaluated: 2022-12-02. Review status: criteria provided, single submitter. Criteria: Invitae Variant Classification Sherloc (09022015). Collection method: clinical testing. Allele origin: germline.
Comment: In summary, the available evidence is currently insufficient to determine the role of this variant in disease. Therefore, it has been classified as a Variant of Uncertain Significance. This variant has not been reported in the literature in individuals affected with ANKZF1-related conditions. This variant is not present in population databases (gnomAD no frequency). This sequence change creates a premature translational stop signal (p.Gln246*) in the ANKZF1 gene. It is expected to result in an absent or disrupted protein product. However, the current clinical and genetic evidence is not sufficient to establish whether loss-of-function variants in ANKZF1 cause disease.